The following is an entry in ClinVar:

NM_173660.5(DOK7):c.1255A>C (p.Ser419Arg)

Gene: DOK7 (docking protein 7; plus strand). Cytogenetic location: 4p16.3.
Variant type: single nucleotide variant.
Coding change: c.1255A>C on transcript NM_173660.5 (MANE Select); coding-DNA position 1255, A replaced by C.
Protein change: p.Ser419Arg; replaces serine 419 with arginine.
Molecular consequence: missense variant. On other transcripts: 3 prime UTR variant (1).
Genome position (GRCh38, 1-based): chr4:3,493,241, A>C. VCF-style: chr4-3493241-A-C. GRCh37 (hg19) VCF-style: chr4-3494968-A-C.
Other names: c.*476A>C (NM_001164673.2); c.325A>C, p.Ser109Arg (NM_001256896.2); c.1255A>C, p.Ser419Arg (NM_001301071.2); c.823A>C, p.Ser275Arg (NM_001363811.2); short protein forms S275R, S109R, S419R.
Identifiers: ClinVar variation 1392935 (VCV001392935.6), dbSNP rs2109420373, ClinGen allele CA356117641.

ClinVar aggregate classification (germline): Uncertain significance (1 of 4 stars; one submission).

Conditions:
Fetal akinesia deformation sequence 1 (FADS1). Also called: Pena-Shokeir syndrome type I; Fetal akinesia sequence. Identifiers: Orphanet 994, MedGen C1276035, MONDO:0100101, OMIM 208150, HP:0001989.
Congenital myasthenic syndrome 10. Also called: Myasthenia, limb-girdle, familial. Identifiers: Orphanet 590, MedGen C1850792, MONDO:0009690, OMIM 254300.

Submission:

Labcorp Genetics (formerly Invitae), Labcorp
Classification: Uncertain significance for Congenital myasthenic syndrome 10; Fetal akinesia deformation sequence 1. Last evaluated: 2022-07-25. Review status: criteria provided, single submitter. Criteria: Invitae Variant Classification Sherloc (09022015). Collection method: clinical testing. Allele origin: germline.
Comment: This sequence change replaces serine, which is neutral and polar, with arginine, which is basic and polar, at codon 419 of the DOK7 protein (p.Ser419Arg). This variant is not present in population databases (gnomAD no frequency). This variant has not been reported in the literature in individuals affected with DOK7-related conditions. ClinVar contains an entry for this variant (Variation ID: 1392935). Algorithms developed to predict the effect of missense changes on protein structure and function (SIFT, PolyPhen-2, Align-GVGD) all suggest that this variant is likely to be tolerated. In summary, the available evidence is currently insufficient to determine the role of this variant in disease. Therefore, it has been classified as a Variant of Uncertain Significance.